The following is an entry in ClinVar:

NM_001267550.2(TTN):c.95187G>C (p.Trp31729Cys)

Genes: TTN (titin; minus strand), TTN-AS1 (TTN antisense RNA 1; plus strand). Cytogenetic location: 2q31.2.
Variant type: single nucleotide variant.
Coding change: c.95187G>C on transcript NM_001267550.2 (MANE Select); coding-DNA position 95187, G replaced by C.
Protein change: p.Trp31729Cys; replaces tryptophan 31729 with cysteine.
Molecular consequence: missense variant.
Genome position (GRCh38, 1-based): chr2:178,546,049, C>G on the plus strand (G>C on the coding strand, the complement: TTN is on the minus strand). VCF-style: chr2-178546049-C-G. GRCh37 (hg19) VCF-style: chr2-179410776-C-G.
Other names: Q8WZ42.4:p.Trp30088Cys; c.90264G>C, p.Trp30088Cys (NM_001256850.1); c.67992G>C, p.Trp22664Cys (NM_003319.4); c.87483G>C, p.Trp29161Cys (NM_133378.4); c.68367G>C, p.Trp22789Cys (NM_133432.3); c.68568G>C, p.Trp22856Cys (NM_133437.4); c.95187G>C (NM_001267550.1); short protein forms W31729C, W30088C, W29161C, W22664C, W22856C, W22789C.
Identifiers: ClinVar variation 132136 (VCV000132136.24), dbSNP rs869320742, ClinGen allele CA358826.

ClinVar aggregate classification (germline): Pathogenic/Likely pathogenic. Review status: criteria provided, multiple submitters, no conflicts (2 of 4 stars). 5 submissions from 5 submitters: Pathogenic (2); Likely pathogenic (2). 1 of the submissions does not count toward it. Last evaluated 2025-10-12.

Conditions:
Autosomal recessive limb-girdle muscular dystrophy type 2J (LGMDR10). Also called: Limb-girdle muscular dystrophy, type 2J; MUSCULAR DYSTROPHY, LIMB-GIRDLE, AUTOSOMAL RECESSIVE 10. Identifiers: Orphanet 140922, MedGen C1837342, MONDO:0012127, OMIM 608807.
Dilated cardiomyopathy 1G (CMD1G). Identifiers: Orphanet 154, MedGen C1858763, MONDO:0011400, OMIM 604145.
Myopathy, myofibrillar, 9, with early respiratory failure (MFM9). Also called: EDSTROM MYOPATHY; MYOPATHY, PROXIMAL, WITH EARLY RESPIRATORY MUSCLE INVOLVEMENT; Myopathy, distal, with early respiratory failure, autosomal dominant; Hereditary myopathy with early respiratory failure. Identifiers: Orphanet 178464, Orphanet 34521, MedGen C1863599, MONDO:0011362, OMIM 603689.

Allele frequency attached by ClinVar (database versions not stated): gnomAD exomes 0.00001.
gnomAD v4.1: 9 of 1,613,742 alleles (0.00056%); highest among the groups gnomAD compares: Non-Finnish European, 0.00076%; no homozygotes.

Submissions (5):

Labcorp Genetics (formerly Invitae), Labcorp
Classification: Pathogenic for Dilated cardiomyopathy 1G; Autosomal recessive limb-girdle muscular dystrophy type 2J. Last evaluated: 2025-10-12. Review status: criteria provided, single submitter. Criteria: Invitae Variant Classification Sherloc (09022015). Collection method: clinical testing. Allele origin: germline.
Comment: This sequence change replaces tryptophan, which is neutral and slightly polar, with cysteine, which is neutral and slightly polar, at codon 31729 of the TTN protein (p.Trp31729Cys). This variant is not present in population databases (gnomAD no frequency). This missense change has been observed in individuals with hereditary myopathy with early respiratory failure (HMERF) (PMID: 23606733, 29382405, 29997562, 30666435). This variant is also known as g.274428G>C (p.W30088C) and c.87483G>C (p.Trp29161Cys). ClinVar contains an entry for this variant (Variation ID: 132136). Algorithms developed to predict the effect of variants on gene product structure and function are not available or were not evaluated for this variant. Experimental studies have shown that this missense change affects TTN function (PMID: 24636144). This variant is located in the A band of TTN (PMID: 25589632). Variants in this region may be relevant for cardiac or neuromuscular disorders (PMID: 25589632, 23975875). For these reasons, this variant has been classified as Pathogenic.

GeneDx
Classification: Pathogenic. Last evaluated: 2021-10-20. Review status: criteria provided, single submitter. Criteria: GeneDx Variant Classification Process June 2021. Collection method: clinical testing. Allele origin: germline. Affected: yes.
Comment: Reported previously as W30088C in association with autosomal dominant hereditary myopathy with early respiratory failure (HMERF) (Palmio et al., 2014); Functional studies indicate the variant impairs the domain solubility and prevents proper protein folding (Hedberg et al., 2014); In silico analysis supports that this missense variant has a deleterious effect on protein structure/function; Not observed at significant frequency in large population cohorts (gnomAD); This variant is associated with the following publications: (PMID: 24980681, 24575448, 24636144, 29382405, 30666435, 23606733, 29997562)

Revvity Omics, Revvity
Classification: Likely pathogenic. Last evaluated: 2019-09-12. Review status: criteria provided, single submitter. Criteria: ACMG Guidelines, 2015. Collection method: clinical testing. Allele origin: germline.

Eurofins Ntd Llc (ga)
Classification: Likely pathogenic. Last evaluated: 2017-10-26. Review status: criteria provided, single submitter. Criteria: EGL Classification Definitions 2015. Collection method: clinical testing. Allele origin: germline. Observed: 1 variant allele, 1 heterozygote.

GeneReviews
Classification: Pathogenic for Hereditary myopathy with early respiratory failure. Last evaluated: 2014-02-27. Review status: no assertion criteria provided. Collection method: literature only. Allele origin: germline. Affected: yes. Not counted in ClinVar's aggregate classification.

Literature cited by the submitters: PubMed 23606733 (cited by Labcorp Genetics (formerly Invitae), Labcorp); PubMed 29382405 (cited by Labcorp Genetics (formerly Invitae), Labcorp); PubMed 29997562 (cited by Labcorp Genetics (formerly Invitae), Labcorp); PubMed 30666435 (cited by Labcorp Genetics (formerly Invitae), Labcorp); PubMed 24636144 (cited by Labcorp Genetics (formerly Invitae), Labcorp); PubMed 25589632 (cited by Labcorp Genetics (formerly Invitae), Labcorp); PubMed 23975875 (cited by Labcorp Genetics (formerly Invitae), Labcorp).